The following is an entry in ClinVar:

NM_007294.4(BRCA1):c.277T>C (p.Phe93Leu)

Gene: BRCA1 (BRCA1 DNA repair associated; minus strand). Cytogenetic location: 17q21.31.
Variant type: single nucleotide variant.
Coding change: c.277T>C on transcript NM_007294.4 (MANE Select); coding-DNA position 277, T replaced by C.
Protein change: p.Phe93Leu; replaces phenylalanine 93 with leucine.
Molecular consequence: missense variant. On other transcripts: non-coding transcript variant (1).
Genome position (GRCh38, 1-based): chr17:43,104,892, A>G on the plus strand (T>C on the coding strand, the complement: BRCA1 is on the minus strand). VCF-style: chr17-43104892-A-G. GRCh37 (hg19) VCF-style: chr17-41256909-A-G.
Other names: c.136T>C, p.Phe46Leu (NM_001407751.1, NM_001407752.1, NM_001407838.1 and 99 more transcripts); c.67T>C, p.Phe23Leu (NM_001407853.1, NM_001407879.1, NM_001407881.1 and 58 more transcripts); c.277T>C, p.Phe93Leu (NM_001407854.1, NM_001407858.1, NM_001407859.1 and 168 more transcripts); c.199T>C, p.Phe67Leu (NM_001407862.1, NM_001407874.1, NM_001407875.1 and 21 more transcripts); c.-105T>C (NM_001407959.1, NM_001407960.1, NM_001407962.1 and 4 more transcripts); c.145T>C, p.Phe49Leu (NM_001408451.1); short protein forms F93L, F46L, F67L, F23L, F49L.
Identifiers: ClinVar variation 868823 (VCV000868823.3), dbSNP rs2054677674, ClinGen allele CA10601602.

Conditions:
Breast-ovarian cancer, familial, susceptibility to, 1 (BROVCA1). Also called: BRCA1 Hereditary Breast and Ovarian Cancer; OVARIAN CANCER, SUSCEPTIBILITY TO. Identifiers: Orphanet 145, MedGen C2676676, MONDO:0011450, OMIM 604370. Disease mechanism: loss of function.

Submission:

Brotman Baty Institute, University of Washington
No classification provided (evidence only). Condition: Breast-ovarian cancer, familial 1. Review status: no classification provided. Collection method: in vitro. Allele origin: not applicable. Functional consequence: functionally_abnormal.
ClinVar note: "not provided" was previously submitted as the classification for the variant. However, the classification appeared to be based only on an observation of functional data so it was converted to no classification on 2025-07-30.